The following is an entry in ClinVar:

ClinVar aggregate classification (germline): Uncertain significance (1 of 4 stars; one submission).

Submission:

CeGaT Center for Human Genetics Tuebingen
Classification: Uncertain significance. Last evaluated: 2025-07-01. Review status: criteria provided, single submitter. Criteria: CeGaT Center For Human Genetics Tuebingen Variant Classification Criteria Version 2. Collection method: clinical testing. Allele origin: germline. Affected: yes. Observed: 1 variant allele.
Comment: MPZ: PM2, PM4

NM_000530.8(MPZ):c.385_402dup (p.Asp134_Ile135insValLysAsnProProAsp)

Gene: MPZ (myelin protein zero; minus strand). Cytogenetic location: 1q23.3.
Variant type: Duplication.
Coding change: c.385_402dup on transcript NM_000530.8 (MANE Select); coding-DNA positions 385 to 402, 18 bases duplicated (GTCAAAAACCCTCCAGAC).
Protein change: p.Asp134_Ile135insValLysAsnProProAsp.
Genome position (GRCh38, 1-based): chr1:161,306,754-161,306,771, GTCTGGAGGGTTTTTGAC duplicated on the plus strand (GTCAAAAACCCTCCAGAC on the coding strand, the reverse complement: MPZ is on the minus strand); duplicating any 18 consecutive bases within chr1:161,306,754-161,306,774 gives the same sequence; the c. name uses the placement nearest the transcript's 3' end. VCF-style (leftmost placement, unchanged base first): chr1-161306753-T-TGTCTGGAGGGTTTTTGAC. GRCh37 (hg19) VCF-style: chr1-161276543-T-TGTCTGGAGGGTTTTTGAC.
Other names: c.385_402dup, p.Asp134_Ile135insValLysAsnProProAsp (NM_001315491.2).
Identifiers: ClinVar variation 4085414 (VCV004085414.8).